The following is an entry in ClinVar:

NM_001365536.1(SCN9A):c.2971G>T (p.Ala991Ser)

Genes: SCN9A (sodium voltage-gated channel alpha subunit 9; minus strand), SCN1A-AS1 (SCN1A and SCN9A antisense RNA 1; plus strand). Cytogenetic location: 2q24.3.
Variant type: single nucleotide variant.
Coding change: c.2971G>T on transcript NM_001365536.1 (MANE Select); coding-DNA position 2971, G replaced by T.
Protein change: p.Ala991Ser; replaces alanine 991 with serine.
Molecular consequence: missense variant.
Genome position (GRCh38, 1-based): chr2:166,272,779, C>A on the plus strand (G>T on the coding strand, the complement: SCN9A is on the minus strand). VCF-style: chr2-166272779-C-A. GRCh37 (hg19) VCF-style: chr2-167129289-C-A.
Other names: c.2938G>T, p.Ala980Ser (NM_002977.4); short protein forms A980S, A991S.
Identifiers: ClinVar variation 3749620 (VCV003749620.2).
Genomic context (GRCh38, chr2:166,272,779, plus strand): 5'-GAATAAATTCACGTAAGGTTTGTTTCACATAATTTATTCCCTTTTTAATTCTAGTCACTG[C>A]AATCTGGAGGTTGTTTGCATCAGGGTCTTCTTCAATTGCTGTAAGATTGTCTGAACTAAA-3'
Protein context (NP_001352465.1, residues 981-1001): EDPDANNLQI[Ala991Ser]VTRIKKGINY

ClinVar aggregate classification (germline): Uncertain significance (1 of 4 stars; one submission).

Conditions:
Generalized epilepsy with febrile seizures plus, type 7 (GEFSP7). Also called: GEFS+, TYPE 7. Identifiers: Orphanet 36387, MedGen C2751778, MONDO:0013470, OMIM 613863.
Neuropathy, hereditary sensory and autonomic, type 2A (HSAN2A). Also called: MORVAN DISEASE; NEUROPATHY, CONGENITAL SENSORY; NEUROPATHY, HEREDITARY SENSORY RADICULAR, AUTOSOMAL RECESSIVE; NEUROPATHY, HEREDITARY SENSORY, TYPE IIA; NEUROPATHY, PROGRESSIVE SENSORY, OF CHILDREN; HSAN IIA. Identifiers: Orphanet 970, MedGen C2752089, MONDO:0024309, OMIM 201300.

Submission:

Labcorp Genetics (formerly Invitae), Labcorp
Classification: Uncertain significance for Neuropathy, hereditary sensory and autonomic, type 2A; Generalized epilepsy with febrile seizures plus, type 7. Last evaluated: 2025-01-13. Review status: criteria provided, single submitter. Criteria: Invitae Variant Classification Sherloc (09022015). Collection method: clinical testing. Allele origin: germline.
Comment: This sequence change replaces alanine, which is neutral and non-polar, with serine, which is neutral and polar, at codon 980 of the SCN9A protein (p.Ala980Ser). This variant is not present in population databases (gnomAD no frequency). This variant has not been reported in the literature in individuals affected with SCN9A-related conditions. Invitae Evidence Modeling of protein sequence and biophysical properties (such as structural, functional, and spatial information, amino acid conservation, physicochemical variation, residue mobility, and thermodynamic stability) indicates that this missense variant is not expected to disrupt SCN9A protein function with a negative predictive value of 95%. In summary, the available evidence is currently insufficient to determine the role of this variant in disease. Therefore, it has been classified as a Variant of Uncertain Significance.